The following is an entry in ClinVar:

NM_001166108.2(PALLD):c.235C>T (p.Pro79Ser)

Gene: PALLD (palladin, cytoskeletal associated protein; plus strand). Cytogenetic location: 4q32.3.
Variant type: single nucleotide variant.
Coding change: c.235C>T on transcript NM_001166108.2 (MANE Select); coding-DNA position 235, C replaced by T.
Protein change: p.Pro79Ser; replaces proline 79 with serine.
Molecular consequence: missense variant.
Genome position (GRCh38, 1-based): chr4:168,511,739, C>T. VCF-style: chr4-168511739-C-T. GRCh37 (hg19) VCF-style: chr4-169432890-C-T.
Other names: c.235C>T, p.Pro79Ser (NM_016081.4); short protein forms P79S.
Identifiers: ClinVar variation 2563419 (VCV002563419.2), dbSNP rs2531429599, ClinGen allele CA358725090.

ClinVar aggregate classification (germline): Uncertain significance (1 of 4 stars; one submission).

Submission:

Ambry Genetics
Classification: Uncertain significance. Last evaluated: 2023-05-15. Review status: criteria provided, single submitter. Criteria: Ambry Variant Classification Scheme 2023. Collection method: clinical testing. Allele origin: germline.
Comment: The p.P79S variant (also known as c.235C>T), located in coding exon 1 of the PALLD gene, results from a C to T substitution at nucleotide position 235. The proline at codon 79 is replaced by serine, an amino acid with similar properties. This amino acid position is conserved. In addition, this alteration is predicted to be tolerated by in silico analysis. Since supporting evidence is limited at this time, the clinical significance of this alteration remains unclear.